The following is an entry in ClinVar:

ClinVar aggregate classification (germline): Uncertain significance (1 of 4 stars; one submission).

Submission:

GeneDx
Classification: Uncertain significance. Last evaluated: 2025-03-26. Review status: criteria provided, single submitter. Criteria: GeneDx Variant Classification Process June 2021. Collection method: clinical testing. Allele origin: germline. Affected: yes.
Comment: Not observed at significant frequency in large population cohorts (gnomAD); Frameshift variant predicted to result in abnormal protein length as the last 696 amino acid(s) are replaced with 7 different amino acid(s); Has not been previously published as pathogenic or benign to our knowledge

NM_001014342.3(FLG2):c.5085_5086del (p.His1696fs)

Genes: CCDST (cervical cancer associated DHX9 suppressive transcript; plus strand), FLG2 (filaggrin 2; minus strand). Cytogenetic location: 1q21.3.
Variant type: Deletion.
Coding change: c.5085_5086del on transcript NM_001014342.3 (MANE Select); coding-DNA positions 5085 to 5086, 2 bases deleted (TC; older notation c.5085_5086delTC).
Protein change: p.His1696fs; shifts the reading frame from histidine 1696.
Molecular consequence: frameshift variant.
Genome position (GRCh38, 1-based): chr1:152,352,700-152,352,701, GA deleted on the plus strand (TC on the coding strand, the reverse complement: FLG2 is on the minus strand); deleting any 2 consecutive bases within chr1:152,352,700-152,352,702 gives the same sequence; the c. name uses the placement nearest the transcript's 3' end. VCF-style (leftmost placement, unchanged base first): chr1-152352699-TGA-T. GRCh37 (hg19) VCF-style: chr1-152325175-TGA-T.
Other names: short protein forms H1696fs.
Identifiers: ClinVar variation 4087982 (VCV004087982.1).